The following is an entry in ClinVar:

NM_000059.4(BRCA2):c.6724G>A (p.Asp2242Asn)

Gene: BRCA2 (BRCA2 DNA repair associated; plus strand). Cytogenetic location: 13q13.1.
Variant type: single nucleotide variant.
Coding change: c.6724G>A on transcript NM_000059.4 (MANE Select); coding-DNA position 6724, G replaced by A.
Protein change: p.Asp2242Asn; replaces aspartic acid 2242 with asparagine.
Molecular consequence: missense variant.
Genome position (GRCh38, 1-based): chr13:32,341,079, G>A. VCF-style: chr13-32341079-G-A. GRCh37 (hg19) VCF-style: chr13-32915216-G-A.
Other names: short protein forms D2242N.
Identifiers: ClinVar variation 185209 (VCV000185209.18), dbSNP rs786202002, ClinGen allele CA024342.
Genomic context (GRCh38, chr13:32,341,079, plus strand): 5'-TACTTTGAAACAGAAGCAGTAGAAATTGCTAAAGCTTTTATGGAAGATGATGAACTGACA[G>A]ATTCTAAACTGCCAAGTCATGCCACACATTCTCTTTTTACATGTCCCGAAAATGAGGAAA-3'
Protein context (NP_000050.3, residues 2232-2252): KAFMEDDELT[Asp2242Asn]SKLPSHATHS

ClinVar aggregate classification (germline): Conflicting classifications of pathogenicity. Review status: criteria provided, conflicting classifications (1 of 4 stars). 7 submissions from 7 submitters: Uncertain significance (5); Likely benign (1). 1 of the submissions does not count toward it. Last evaluated 2023-06-08.

Conditions:
Familial cancer of breast. Also called: BREAST CANCER, FAMILIAL; hereditary breast carcinoma; Hereditary breast cancer. Identifiers: Orphanet 227535, MedGen C0346153, MONDO:0016419, OMIM 114480. Disease mechanism: loss of function.
Breast-ovarian cancer, familial, susceptibility to, 2 (BROVCA2). Also called: BRCA2 Hereditary Breast and Ovarian Cancer. Identifiers: Orphanet 145, MedGen C2675520, MONDO:0012933, OMIM 612555. Disease mechanism: loss of function.
Hereditary cancer-predisposing syndrome. Also called: Tumor predisposition; Hereditary Cancer Syndrome; Hereditary neoplastic syndrome; Neoplastic Syndromes, Hereditary. Identifiers: Orphanet 140162, MedGen C0027672, MeSH D009386, MONDO:0015356.
Hereditary breast ovarian cancer syndrome. Also called: Breast and ovarian cancer; Hereditary breast and ovarian cancer syndrome; Hereditary breast and ovarian cancer; BRCA1- and BRCA2-Associated Hereditary Breast and Ovarian Cancer; Hereditary breast and ovarian cancer syndrome (HBOC); Hereditary breast and/or ovarian cancer syndrome. Identifiers: Orphanet 145, MedGen C0677776, MeSH D061325, MONDO:0003582. Disease mechanism: loss of function.

Allele frequency attached by ClinVar (database versions not stated): TOPMed below 0.00001; gnomAD 0.00001.
gnomAD v4.1: 2 of 1,613,826 alleles (0.00012%); highest among the groups gnomAD compares: African/African-American, 0.0013%; no homozygotes.

Submissions (7):

All of Us Research Program, National Institutes of Health
Classification: Uncertain significance for Breast-ovarian cancer, familial, susceptibility to, 2. Last evaluated: 2023-06-08. Review status: criteria provided, single submitter. Criteria: ACMG Guidelines, 2015. Collection method: clinical testing. Allele origin: germline. Inheritance: Autosomal dominant inheritance. Observed: 1 variant allele, 1 heterozygote.
Comment: This missense variant replaces aspartic acid with asparagine at codon 2242 of the BRCA2 protein. Computational prediction suggests that this variant may not impact protein structure and function (internally defined REVEL score threshold <= 0.5, PMID: 27666373). To our knowledge, functional studies have not been reported for this variant. This variant has been reported in an individual affected with early-onset breast cancer, this individual also carried a pathogenic variant in BRCA1 that could explain the observed phenotype (PMID: 18703817). This variant has not been identified in the general population by the Genome Aggregation Database (gnomAD). The available evidence is insufficient to determine the role of this variant in disease conclusively. Therefore, this variant is classified as a Variant of Uncertain Significance.

This study involves interpretation of variants in research participants for the purpose of population health screening. Participant phenotype was not available at the time of variant classification. Additional details can be found in publication PMID: 35346344, PMCID: PMC8962531

Labcorp Genetics (formerly Invitae), Labcorp
Classification: Uncertain significance for Hereditary breast ovarian cancer syndrome. Last evaluated: 2023-04-06. Review status: criteria provided, single submitter. Criteria: Invitae Variant Classification Sherloc (09022015). Collection method: clinical testing. Allele origin: germline.
Comment: This missense change has been observed in individual(s) with breast cancer (PMID: 18703817). This sequence change replaces aspartic acid, which is acidic and polar, with asparagine, which is neutral and polar, at codon 2242 of the BRCA2 protein (p.Asp2242Asn). This variant is not present in population databases (gnomAD no frequency). ClinVar contains an entry for this variant (Variation ID: 185209). Advanced modeling of protein sequence and biophysical properties (such as structural, functional, and spatial information, amino acid conservation, physicochemical variation, residue mobility, and thermodynamic stability) performed at Invitae indicates that this missense variant is not expected to disrupt BRCA2 protein function. In summary, the available evidence is currently insufficient to determine the role of this variant in disease. Therefore, it has been classified as a Variant of Uncertain Significance.

University of Washington Department of Laboratory Medicine, University of Washington
Classification: Likely benign for Hereditary cancer-predisposing syndrome. Last evaluated: 2023-03-23. Review status: criteria provided, single submitter. Criteria: Dines et al. (Genet Med. 2020). Collection method: curation. Allele origin: germline.
Comment: Missense variant in a coldspot region where missense variants are very unlikely to be pathogenic (PMID:31911673).

BRCA2 exon 11 coldspot. Reclassification based on statistical prior probability.

Ambry Genetics
Classification: Uncertain significance for Hereditary cancer-predisposing syndrome. Last evaluated: 2023-02-12. Review status: criteria provided, single submitter. Criteria: Ambry Variant Classification Scheme 2023. Collection method: clinical testing. Allele origin: germline.
Comment: The p.D2242N variant (also known as c.6724G>A), located in coding exon 10 of the BRCA2 gene, results from a G to A substitution at nucleotide position 6724. The aspartic acid at codon 2242 is replaced by asparagine, an amino acid with highly similar properties. This amino acid position is well conserved in available vertebrate species. In addition, the in silico prediction for this alteration is inconclusive. Since supporting evidence is limited at this time, the clinical significance of this alteration remains unclear.

Department of Pathology and Laboratory Medicine, Sinai Health System
Classification: Uncertain significance for Familial cancer of breast; Breast-ovarian cancer, familial, susceptibility to, 2. Last evaluated: 2022-06-13. Review status: criteria provided, single submitter. Criteria: ACMG Guidelines, 2015. Collection method: clinical testing. Allele origin: germline. Affected: yes.

Women's Health and Genetics/Laboratory Corporation of America, LabCorp
Classification: Uncertain significance. Last evaluated: 2016-08-03. Review status: criteria provided, single submitter. Criteria: LabCorp Variant Classification Summary - May 2015. Collection method: clinical testing. Allele origin: germline.
Comment: Variant summary: The BRCA2 c.6724G>A (p.Asp2242Asn) variant involves the alteration of a conserved nucleotide. 2/3 in silico tools predict a damaging outcome for this variant (SNPs&GO and MutationTaster not captured due to low reliability index). This variant is absent in 121188 control chromosomes. The variant has been reported in a patient in the literature, along with a pathogenic exon 8-9 deletion in BRCA1 (Palma_2008), suggesting the variant of interest is not the causitive mutation in this patient. In addition, one clinical diagnostic lab has classified this variant as uncertain significance. Taken together, this variant is classified as VUS until additional evidence becomes available.

BRCAlab, Lund University
Classification: Uncertain significance for Breast-ovarian cancer, familial, susceptibility to, 2. Last evaluated: 2020-03-02. Review status: no assertion criteria provided. Collection method: clinical testing. Allele origin: germline. Affected: yes. Not counted in ClinVar's aggregate classification.

Literature cited by the submitters: PubMed 18703817 (cited by 4 submitters).